The following is an entry in ClinVar:

ClinVar aggregate classification (germline): Benign/Likely benign. Review status: criteria provided, multiple submitters, no conflicts (2 of 4 stars). 9 submissions from 9 submitters: Benign (2); Likely benign (5). 2 of the submissions do not count toward it. Last evaluated 2026-01-05.

Conditions:
Hereditary cancer-predisposing syndrome. Also called: Tumor predisposition; Neoplastic Syndromes, Hereditary; Hereditary Cancer Syndrome; Hereditary neoplastic syndrome. Identifiers: Orphanet 140162, MedGen C0027672, MeSH D009386, MONDO:0015356.
Hereditary breast ovarian cancer syndrome. Also called: Hereditary breast and ovarian cancer; Hereditary breast and ovarian cancer syndrome (HBOC); Hereditary breast and/or ovarian cancer syndrome; Breast and ovarian cancer; Hereditary breast and ovarian cancer syndrome; BRCA1- and BRCA2-Associated Hereditary Breast and Ovarian Cancer. Identifiers: Orphanet 145, MedGen C0677776, MeSH D061325, MONDO:0003582. Disease mechanism: loss of function.
Breast-ovarian cancer, familial, susceptibility to, 2 (BROVCA2). Also called: BRCA2 Hereditary Breast and Ovarian Cancer. Identifiers: Orphanet 145, MedGen C2675520, MONDO:0012933, OMIM 612555. Disease mechanism: loss of function.

Allele frequency attached by ClinVar (database versions not stated): gnomAD 0.00001; gnomAD exomes 0.00001; TOPMed 0.00001.
gnomAD v4.1: 9 of 1,605,102 alleles (0.00056%); highest among the groups gnomAD compares: Non-Finnish European, 0.00068%; no homozygotes.

Submissions (9):

Labcorp Genetics (formerly Invitae), Labcorp
Classification: Benign for Hereditary breast ovarian cancer syndrome. Last evaluated: 2026-01-05. Review status: criteria provided, single submitter. Criteria: Invitae Variant Classification Sherloc (09022015). Collection method: clinical testing. Allele origin: germline.

All of Us Research Program, National Institutes of Health
Classification: Likely benign for Breast-ovarian cancer, familial, susceptibility to, 2. Last evaluated: 2023-06-26. Review status: criteria provided, single submitter. Criteria: ACMG Guidelines, 2015. Collection method: clinical testing. Allele origin: germline. Inheritance: Autosomal dominant inheritance. Observed: 1 variant allele, 1 heterozygote.
Comment: This study involves interpretation of variants in research participants for the purpose of population health screening. Participant phenotype was not available at the time of variant classification. Additional details can be found in publication PMID: 35346344, PMCID: PMC8962531

Women's Health and Genetics/Laboratory Corporation of America, LabCorp
Classification: Likely benign. Last evaluated: 2019-09-09. Review status: criteria provided, single submitter. Criteria: LabCorp Variant Classification Summary - May 2015. Collection method: clinical testing. Allele origin: germline.
Comment: Variant summary: BRCA2 c.7977-14G>A alters a non-conserved nucleotide located close to a canonical splice site and therefore could affect mRNA splicing, leading to a significantly altered protein sequence. 4/4 computational tools predict no significant impact on normal splicing. However, these predictions have yet to be confirmed by functional studies. The variant was absent in 247964 control chromosomes. The available data on variant occurrences in the general population are insufficient to allow any conclusion about variant significance. To our knowledge, no occurrence of c.7977-14G>A in individuals affected with Hereditary Breast and Ovarian Cancer and no experimental evidence demonstrating its impact on protein function have been reported. Five clinical diagnostic laboratories have submitted clinical-significance assessments for this variant to ClinVar after 2014 without evidence for independent evaluation. All laboratories classified the variant as benign (n=2)/likely benign(n=3). Based on the evidence outlined above, the variant was classified as likely benign.

GeneDx
Classification: Likely benign. Last evaluated: 2017-06-13. Review status: criteria provided, single submitter. Criteria: GeneDx Variant Classification (06012015). Collection method: clinical testing. Allele origin: germline. Affected: yes.
Comment: This variant is considered likely benign or benign based on one or more of the following criteria: it is a conservative change, it occurs at a poorly conserved position in the protein, it is predicted to be benign by multiple in silico algorithms, and/or has population frequency not consistent with disease.

Color Diagnostics, LLC DBA Color Health
Classification: Likely benign for Hereditary cancer-predisposing syndrome. Last evaluated: 2017-03-13. Review status: criteria provided, single submitter. Criteria: ACMG Guidelines, 2015. Collection method: clinical testing. Allele origin: germline.

Clinical Genetics DNA and cytogenetics Diagnostics Lab, Erasmus MC, Erasmus Medical Center
Classification: Benign for Breast-ovarian cancer, familial, susceptibility to, 2. Last evaluated: 2015-09-21. Review status: criteria provided, single submitter. Criteria: ACGS Guidelines, 2013. Collection method: clinical testing. Allele origin: germline. Affected: yes. Study: VKGL Data-share Consensus.

Genome Diagnostics Laboratory, University Medical Center Utrecht
Classification: Likely benign for Breast-ovarian cancer, familial, susceptibility to, 2. Last evaluated: 2015-05-11. Review status: criteria provided, single submitter. Criteria: ACGS Guidelines, 2013. Collection method: clinical testing. Allele origin: germline. Affected: yes. Study: VKGL Data-share Consensus.

Clinical Genetics Laboratory, Department of Pathology, Netherlands Cancer Institute
Classification: Likely benign. Review status: no assertion criteria provided. Collection method: clinical testing. Allele origin: germline. Affected: yes. Study: VKGL Data-share Consensus. Not counted in ClinVar's aggregate classification.

Joint Genome Diagnostic Labs from Nijmegen and Maastricht, Radboudumc and MUMC+
Classification: Likely benign. Review status: no assertion criteria provided. Collection method: clinical testing. Allele origin: germline. Affected: yes. Study: VKGL Data-share Consensus. Not counted in ClinVar's aggregate classification.

NM_000059.4(BRCA2):c.7977-14G>A

Gene: BRCA2 (BRCA2 DNA repair associated; plus strand). Cytogenetic location: 13q13.1.
Variant type: single nucleotide variant.
Coding change: c.7977-14G>A on transcript NM_000059.4 (MANE Select); 14 bases into the intron before coding-DNA position 7977, G replaced by A.
Molecular consequence: intron variant.
Genome position (GRCh38, 1-based): chr13:32,363,165, G>A. VCF-style: chr13-32363165-G-A. GRCh37 (hg19) VCF-style: chr13-32937302-G-A.
Identifiers: ClinVar variation 415683 (VCV000415683.20), dbSNP rs879255467, ClinGen allele CA16614219.